The following is an entry in ClinVar:

ClinVar aggregate classification (germline): Uncertain significance. Review status: criteria provided, multiple submitters, no conflicts (2 of 4 stars). 2 submissions from 2 submitters: Uncertain significance (2). Last evaluated 2025-06-24.

Conditions:
Hereditary cancer-predisposing syndrome. Also called: Tumor predisposition; Hereditary Cancer Syndrome; Hereditary neoplastic syndrome; Neoplastic Syndromes, Hereditary. Identifiers: Orphanet 140162, MedGen C0027672, MeSH D009386, MONDO:0015356.
Familial cancer of breast. Also called: BREAST CANCER, FAMILIAL; Hereditary breast cancer; hereditary breast carcinoma. Identifiers: Orphanet 227535, MedGen C0346153, MONDO:0016419, OMIM 114480. Disease mechanism: loss of function.

Submissions (2):

Ambry Genetics
Classification: Uncertain significance for Hereditary cancer-predisposing syndrome. Last evaluated: 2025-06-24. Review status: criteria provided, single submitter. Criteria: Ambry Variant Classification Scheme 2023. Collection method: clinical testing. Allele origin: germline.
Comment: The c.3202-5A>G intronic variant results from an A to G substitution 5 nucleotides upstream from coding exon 12 in the PALB2 gene. This nucleotide position is highly conserved in available vertebrate species. In silico splice site analysis predicts that this alteration may weaken the native splice acceptor site; however, direct evidence is insufficient at this time (Ambry internal data). Based on the available evidence, the clinical significance of this variant remains unclear.

Labcorp Genetics (formerly Invitae), Labcorp
Classification: Uncertain significance for Familial cancer of breast. Last evaluated: 2016-09-25. Review status: criteria provided, single submitter. Criteria: Invitae Variant Classification Sherloc (09022015). Collection method: clinical testing. Allele origin: germline.
Comment: In summary, this is a novel intronic change with uncertain impact on splicing. It has been classified as a Variant of Uncertain Significance. Algorithms developed to predict the effect of sequence changes on RNA splicing suggest that this variant may alter RNA splicing, but this prediction has not been confirmed by published transcriptional studies. This variant is not present in population databases (ExAC no frequency) and has not been reported in the literature in individuals with a PALB2-related disease. This sequence change falls in intron 11 of the PALB2 gene. It does not directly change the encoded amino acid sequence of the PALB2 protein.

NM_024675.4(PALB2):c.3202-5A>G

Gene: PALB2 (partner and localizer of BRCA2; minus strand). Cytogenetic location: 16p12.2.
Variant type: single nucleotide variant.
Coding change: c.3202-5A>G on transcript NM_024675.4 (MANE Select); 5 bases into the intron before coding-DNA position 3202, A replaced by G.
Molecular consequence: intron variant.
Genome position (GRCh38, 1-based): chr16:23,608,017, T>C on the plus strand (A>G on the coding strand, the complement: PALB2 is on the minus strand). VCF-style: chr16-23608017-T-C. GRCh37 (hg19) VCF-style: chr16-23619338-T-C.
Identifiers: ClinVar variation 410126 (VCV000410126.11), dbSNP rs1060502746, ClinGen allele CA16615214.